The following is an entry in ClinVar:

ClinVar aggregate classification (germline): Conflicting classifications of pathogenicity. Review status: criteria provided, conflicting classifications (1 of 4 stars). 6 submissions from 6 submitters: Uncertain significance (5); Likely benign (1). Last evaluated 2023-12-15.

Conditions:
Visceral myopathy 2. Identifiers: MedGen C5543466, MONDO:0859157, OMIM 619350.
Megacystis-microcolon-intestinal hypoperistalsis syndrome 2. Identifiers: MedGen C5543476, MONDO:0025708, OMIM 619351.
Aortic aneurysm, familial thoracic 4 (AAT4). Also called: AORTIC ANEURYSM/AORTIC DISSECTION AND PATENT DUCTUS ARTERIOSUS. Identifiers: MedGen C1851504, MONDO:0007568, OMIM 132900.
Familial thoracic aortic aneurysm and aortic dissection (TAAD). Also called: Thoracic aortic aneurysms and dissections. Identifiers: Orphanet 91387, MedGen C4707243, MONDO:0019625.

Allele frequency attached by ClinVar (database versions not stated): TOPMed 0.00008.
gnomAD v4.1: 18 of 1,611,632 alleles (0.0011%); highest among the groups gnomAD compares: African/African-American, 0.021%; no homozygotes.

Submissions (6):

Ambry Genetics
Classification: Likely benign for Familial thoracic aortic aneurysm and aortic dissection. Last evaluated: 2023-12-15. Review status: criteria provided, single submitter. Criteria: Ambry Variant Classification Scheme 2023. Collection method: clinical testing. Allele origin: germline.

Color Diagnostics, LLC DBA Color Health
Classification: Uncertain significance for Familial thoracic aortic aneurysm and aortic dissection. Last evaluated: 2023-11-15. Review status: criteria provided, single submitter. Criteria: ACMG Guidelines, 2015. Collection method: clinical testing. Allele origin: germline.
Comment: This missense variant replaces aspartic acid with glutamic acid at codon 1230 of the MYH11 protein. Computational prediction suggests that this variant may not impact protein structure and function. To our knowledge, functional studies have not been reported for this variant. This variant has not been reported in individuals affected with MYH11-related disorders in the literature. This variant has been identified in 5/250750 chromosomes in the general population by the Genome Aggregation Database (gnomAD). The available evidence is insufficient to determine the role of this variant in disease conclusively. Therefore, this variant is classified as a Variant of Uncertain Significance.

GeneDx
Classification: Uncertain significance. Last evaluated: 2023-10-13. Review status: criteria provided, single submitter. Criteria: GeneDx Variant Classification Process June 2021. Collection method: clinical testing. Allele origin: germline. Affected: yes.
Comment: Has not been previously published as pathogenic or benign to our knowledge; In silico analysis supports that this missense variant does not alter protein structure/function

Labcorp Genetics (formerly Invitae), Labcorp
Classification: Uncertain significance for Aortic aneurysm, familial thoracic 4. Last evaluated: 2021-09-01. Review status: criteria provided, single submitter. Criteria: Invitae Variant Classification Sherloc (09022015). Collection method: clinical testing. Allele origin: germline.
Comment: This sequence change replaces aspartic acid with glutamic acid at codon 1230 of the MYH11 protein (p.Asp1230Glu). The aspartic acid residue is highly conserved and there is a small physicochemical difference between aspartic acid and glutamic acid. This variant is present in population databases (rs111940956, ExAC 0.03%). This variant has not been reported in the literature in individuals affected with MYH11-related conditions. Algorithms developed to predict the effect of missense changes on protein structure and function (SIFT, PolyPhen-2, Align-GVGD) all suggest that this variant is likely to be tolerated. In summary, the available evidence is currently insufficient to determine the role of this variant in disease. Therefore, it has been classified as a Variant of Uncertain Significance.

Fulgent Genetics
Classification: Uncertain significance for Aortic aneurysm, familial thoracic 4; Visceral myopathy 2; Megacystis-microcolon-intestinal hypoperistalsis syndrome 2. Last evaluated: 2021-08-31. Review status: criteria provided, single submitter. Criteria: ACMG Guidelines, 2015. Collection method: clinical testing. Allele origin: unknown.

Illumina Laboratory Services, Illumina
Classification: Uncertain significance for Aortic aneurysm, familial thoracic 4. Last evaluated: 2018-01-13. Review status: criteria provided, single submitter. Criteria: ICSL Variant Classification Criteria 13 December 2019. Collection method: clinical testing. Allele origin: germline.

NM_002474.3(MYH11):c.3669C>A (p.Asp1223Glu)

Gene: MYH11 (myosin heavy chain 11; minus strand). Cytogenetic location: 16p13.11.
Variant type: single nucleotide variant.
Coding change: c.3669C>A on transcript NM_002474.3 (MANE Select); coding-DNA position 3669, C replaced by A.
Protein change: p.Asp1223Glu; replaces aspartic acid 1223 with glutamic acid.
Molecular consequence: missense variant.
Genome position (GRCh38, 1-based): chr16:15,727,037, G>T on the plus strand (C>A on the coding strand, the complement: MYH11 is on the minus strand). VCF-style: chr16-15727037-G-T. GRCh37 (hg19) VCF-style: chr16-15820894-G-T.
Other names: c.3669C>A, p.Asp1223Glu (NM_022844.3); c.3690C>A, p.Asp1230Glu (NM_001040113.2, NM_001040114.2); short protein forms D1223E, D1230E.
Identifiers: ClinVar variation 888295 (VCV000888295.14), dbSNP rs111940956, ClinGen allele CA7921924.
Genomic context (GRCh38, chr16:15,727,037, plus strand): 5'-CAGGACCCGCAGCTCCCCGGCCAGGTCTGCGTTCTCTTTCTCCAGCGTCTGCTTATTCTT[G>T]TCTAGGTTCGCCTTGGCCTGGCGAAGGAAGCAGAGGGGAGGGATAACAGGGAGGCTGTGG-3'
Protein context (NP_002465.1, residues 1213-1233): EQFKRAKANL[Asp1223Glu]KNKQTLEKEN